The following is an entry in ClinVar:

NM_206933.4(USH2A):c.7451+2T>A

Gene: USH2A (usherin; minus strand). Cytogenetic location: 1q41.
Variant type: single nucleotide variant.
Coding change: c.7451+2T>A on transcript NM_206933.4 (MANE Select); the canonical splice donor site of the intron after coding-DNA position 7451, T replaced by A.
Molecular consequence: splice donor variant.
Genome position (GRCh38, 1-based): chr1:215,900,753, A>T on the plus strand (T>A on the coding strand, the complement: USH2A is on the minus strand). VCF-style: chr1-215900753-A-T. GRCh37 (hg19) VCF-style: chr1-216074095-A-T.
Identifiers: ClinVar variation 1503986 (VCV001503986.6), dbSNP rs2102470099, ClinGen allele CA344849189.
Genomic context (GRCh38, chr1:215,900,753, plus strand): 5'-CAAAAATGTTATGTCTATATTGTATAACCCAGCTGATAGAATGGACAAAGTAGAATGCTC[A>T]CTCTAGAAATCCATGGGTGGAGTCGCCAGACCTCATCTGGAGTTGGTATCTGGGAGAGCC-3'

ClinVar aggregate classification (germline): Likely pathogenic (1 of 4 stars; one submission).

Submission:

Labcorp Genetics (formerly Invitae), Labcorp
Classification: Likely pathogenic. Last evaluated: 2022-02-24. Review status: criteria provided, single submitter. Criteria: Invitae Variant Classification Sherloc (09022015). Collection method: clinical testing. Allele origin: germline.
Comment: This sequence change affects a donor splice site in intron 39 of the USH2A gene. It is expected to disrupt RNA splicing. Variants that disrupt the donor or acceptor splice site typically lead to a loss of protein function (PMID: 16199547), and loss-of-function variants in USH2A are known to be pathogenic (PMID: 10729113, 10909849, 20507924, 25649381). This variant is not present in population databases (gnomAD no frequency). Disruption of this splice site has been observed in individual(s) with retinitis pigmentosa (Invitae). Algorithms developed to predict the effect of sequence changes on RNA splicing suggest that this variant may disrupt the consensus splice site. In summary, the currently available evidence indicates that the variant is pathogenic, but additional data are needed to prove that conclusively. Therefore, this variant has been classified as Likely Pathogenic.

Literature cited by the submitters: PubMed 16199547; PubMed 10729113; PubMed 10909849; PubMed 20507924; PubMed 25649381.